The following is an entry in ClinVar:

NM_182476.3(COQ6):c.870G>T (p.Val290=)

Genes: COQ6 (coenzyme Q6, monooxygenase; plus strand), ENTPD5 (ectonucleoside triphosphate diphosphohydrolase 5; minus strand). Cytogenetic location: 14q24.3.
Variant type: single nucleotide variant.
Coding change: c.870G>T on transcript NM_182476.3 (MANE Select); coding-DNA position 870, G replaced by T.
Protein change: p.Val290=; no amino-acid change (valine 290 retained).
Molecular consequence: synonymous variant. On other transcripts: 3 prime UTR variant (3), intron variant (4).
Genome position (GRCh38, 1-based): chr14:73,959,501, G>T. VCF-style: chr14-73959501-G-T. GRCh37 (hg19) VCF-style: chr14-74426204-G-T.
Other names: c.870G>T, p.Val290= (NM_001425255.1); c.705G>T, p.Val235= (NM_001425257.1); c.645G>T, p.Val215= (NM_001425259.1, NM_001425260.1, NM_001425261.1); c.615G>T, p.Val205= (NM_001425262.1); c.543G>T, p.Val181= (NM_001425263.1); c.330G>T, p.Val110= (NM_001425264.1, NM_001425265.1); c.795G>T, p.Val265= (NM_182480.3); c.*29C>A (NM_001330189.2, NM_001382259.1, NM_001382260.1); and 4 more.
Identifiers: ClinVar variation 668488 (VCV000668488.15), dbSNP rs150313058, ClinGen allele CA7264356.
Genomic context (GRCh38, chr14:73,959,501, plus strand): 5'-TTGGTCCACGTCCCATGAACATGCAGCAGAGCTAGTTAGCATGGATGAGGAAAAATTTGT[G>T]GATGCCGTTAACTCTGCCTTTGTGAGTATCAATTTACCCAGCTGATGATGTGCTGCAGGG-3'
Protein context (NP_872282.1, residues 280-300): ELVSMDEEKF[Val290=]DAVNSAFWSD

ClinVar aggregate classification (germline): Conflicting classifications of pathogenicity. Review status: criteria provided, conflicting classifications (1 of 4 stars). 3 submissions from 3 submitters: Uncertain significance (1); Likely benign (2). Last evaluated 2026-05-14.

Conditions:
COQ6-related disorder. Also called: COQ6-related condition.

Allele frequency attached by ClinVar (database versions not stated): gnomAD exomes 0.00010 and 0.00004; ExAC 0.00017; 1000 Genomes Project 0.00040; 1000 Genomes Project 30x 0.00031; gnomAD 0.00041 and 0.00040; ESP Exome Variant Server 0.00031; TOPMed 0.00055.
gnomAD v4.1: 115 of 1,614,164 alleles (0.0071%); highest among the groups gnomAD compares: African/African-American, 0.14%; no homozygotes.

Submissions (3):

PreventionGenetics, part of Exact Sciences
Classification: Likely benign for COQ6-related condition. Last evaluated: 2026-05-14. Review status: criteria provided, single submitter. Criteria: ACMG Guidelines, 2015. Collection method: clinical testing. Allele origin: germline.
Comment: This variant is classified as likely benign based on ACMG/AMP sequence variant interpretation guidelines (Richards et al. 2015 PMID: 25741868, with internal and published modifications).

Labcorp Genetics (formerly Invitae), Labcorp
Classification: Likely benign. Last evaluated: 2025-12-01. Review status: criteria provided, single submitter. Criteria: Invitae Variant Classification Sherloc (09022015). Collection method: clinical testing. Allele origin: germline.

GeneDx
Classification: Uncertain significance. Last evaluated: 2024-10-30. Review status: criteria provided, single submitter. Criteria: GeneDx Variant Classification Process June 2021. Collection method: clinical testing. Allele origin: germline. Affected: yes.
Comment: Has not been previously published as pathogenic or benign to our knowledge; In silico analysis is inconclusive as to whether the variant alters gene splicing. In the absence of RNA/functional studies, the actual effect of this sequence change is unknown.